The following is an entry in ClinVar:

ClinVar aggregate classification (germline): Uncertain significance (1 of 4 stars; one submission).

Conditions:
Hereditary pulmonary alveolar proteinosis. Also called: Pulmonary surfactant metabolism dysfunction. Identifiers: Orphanet 264675, MedGen C3711368, MONDO:0012580.

gnomAD v4.1: 35 of 1,613,916 alleles (0.0022%); highest among the groups gnomAD compares: Admixed American, 0.0033%; no homozygotes.

Submission:

Ambry Genetics
Classification: Uncertain significance for Hereditary pulmonary alveolar proteinosis. Last evaluated: 2024-12-14. Review status: criteria provided, single submitter. Criteria: Ambry Variant Classification Scheme 2023. Collection method: clinical testing. Allele origin: germline.
Comment: The p.P343A variant (also known as c.1027C>G), located in coding exon 7 of the ABCA3 gene, results from a C to G substitution at nucleotide position 1027. The proline at codon 343 is replaced by alanine, an amino acid with highly similar properties. This amino acid position is conserved. In addition, the in silico prediction for this alteration is inconclusive. Based on the available evidence, the clinical significance of this variant remains unclear.

NM_001089.3(ABCA3):c.1027C>G (p.Pro343Ala)

Gene: ABCA3 (ATP binding cassette subfamily A member 3; minus strand). Cytogenetic location: 16p13.3.
Variant type: single nucleotide variant.
Coding change: c.1027C>G on transcript NM_001089.3 (MANE Select); coding-DNA position 1027, C replaced by G.
Protein change: p.Pro343Ala; replaces proline 343 with alanine.
Molecular consequence: missense variant.
Genome position (GRCh38, 1-based): chr16:2,317,367, G>C on the plus strand (C>G on the coding strand, the complement: ABCA3 is on the minus strand). VCF-style: chr16-2317367-G-C. GRCh37 (hg19) VCF-style: chr16-2367368-G-C.
Other names: short protein forms P343A.
Identifiers: ClinVar variation 3848113 (VCV003848113.1).